The following is an entry in ClinVar:

NM_001080414.4(CCDC88C):c.2308C>T (p.Arg770Trp)

Gene: CCDC88C (coiled-coil and HOOK domain protein 88C; minus strand). Cytogenetic location: 14q32.11.
Variant type: single nucleotide variant.
Coding change: c.2308C>T on transcript NM_001080414.4 (MANE Select); coding-DNA position 2308, C replaced by T.
Protein change: p.Arg770Trp; replaces arginine 770 with tryptophan.
Molecular consequence: missense variant.
Genome position (GRCh38, 1-based): chr14:91,313,508, G>A on the plus strand (C>T on the coding strand, the complement: CCDC88C is on the minus strand). VCF-style: chr14-91313508-G-A. GRCh37 (hg19) VCF-style: chr14-91779852-G-A.
Other names: short protein forms R770W.
Identifiers: ClinVar variation 2514159 (VCV002514159.5), dbSNP rs555874748, ClinGen allele CA7309693.

ClinVar aggregate classification (germline): Uncertain significance. Review status: criteria provided, multiple submitters, no conflicts (2 of 4 stars). 3 submissions from 3 submitters: Uncertain significance (3). Last evaluated 2026-02-18.

Conditions:
Inborn genetic diseases. Identifiers: MedGen C0950123, MeSH D030342.

Allele frequency attached by ClinVar (database versions not stated): ExAC 0.00003; 1000 Genomes Project 30x 0.00016; 1000 Genomes Project 0.00020.
gnomAD v4.1: 42 of 1,608,562 alleles (0.0026%); highest among the groups gnomAD compares: Admixed American, 0.018%; no homozygotes.

Submissions (3):

Women's Health and Genetics/Laboratory Corporation of America, LabCorp
Classification: Uncertain significance. Last evaluated: 2026-02-18. Review status: criteria provided, single submitter. Criteria: LabCorp Variant Classification Summary - May 2015. Collection method: clinical testing. Allele origin: germline.
Comment: Variant summary: CCDC88C c.2308C>T (p.Arg770Trp) results in a non-conservative amino acid change in the encoded protein sequence. Algorithms developed to predict the effect of missense changes on protein structure and function are either unavailable or do not agree on the potential impact of this missense change. The variant allele was found at a frequency of 5.3e-05 in 243906 control chromosomes. This frequency is not significantly higher than estimated for disease-causing variants in CCDC88C, allowing no conclusion about variant significance. To our knowledge, no occurrence of c.2308C>T in individuals affected with CCDC88C-related conditions and no experimental evidence demonstrating its impact on protein function have been reported. ClinVar contains an entry for this variant (Variation ID: 2514159). Based on the evidence outlined above, the variant was classified as uncertain significance.

Ambry Genetics
Classification: Uncertain significance for Inborn genetic diseases. Last evaluated: 2025-10-18. Review status: criteria provided, single submitter. Criteria: Ambry Variant Classification Scheme 2023. Collection method: clinical testing. Allele origin: germline.

Blueprint Genetics
Classification: Uncertain significance. Last evaluated: 2020-02-13. Review status: criteria provided, single submitter. Criteria: ACMG Guidelines, 2015. Collection method: clinical testing. Allele origin: germline.